The following is an entry in ClinVar:

NM_152415.3(VPS37A):c.791A>G (p.Gln264Arg)

Gene: VPS37A (VPS37A subunit of ESCRT-I; plus strand). Cytogenetic location: 8p22.
Variant type: single nucleotide variant.
Coding change: c.791A>G on transcript NM_152415.3 (MANE Select); coding-DNA position 791, A replaced by G.
Protein change: p.Gln264Arg; replaces glutamine 264 with arginine.
Molecular consequence: missense variant.
Genome position (GRCh38, 1-based): chr8:17,280,105, A>G. VCF-style: chr8-17280105-A-G. GRCh37 (hg19) VCF-style: chr8-17137614-A-G.
Other names: c.716A>G, p.Gln239Arg (NM_001145152.2); c.791A>G, p.Gln264Arg (NM_001363167.1, NM_001363173.2); c.521A>G, p.Gln174Arg (NM_001363168.1, NM_001363169.1, NM_001363170.1 and 2 more transcripts); short protein forms Q264R, Q174R, Q239R.
Identifiers: ClinVar variation 1348945 (VCV001348945.6), dbSNP rs1164015467, ClinGen allele CA370402851.
Genomic context (GRCh38, chr8:17,280,105, plus strand): 5'-ATATGAATGAACAAGAGGAGGTATTACTAGAACAGTTTCTGACTTTGCCTCAACTAAAAC[A>G]AATTATTACCGACAAAGATGACTTAGTAAAAAGTATTGAGGAACTAGCAAGTATGTTTTC-3'
Protein context (NP_689628.2, residues 254-274): EQFLTLPQLK[Gln264Arg]IITDKDDLVK

ClinVar aggregate classification (germline): Uncertain significance (1 of 4 stars; one submission).

Conditions:
Hereditary spastic paraplegia 53. Also called: Spastic paraplegia 53, autosomal recessive. Identifiers: Orphanet 319199, MedGen C3539494, MONDO:0013962, OMIM 614898.

Allele frequency attached by ClinVar (database versions not stated): gnomAD exomes below 0.00001.
gnomAD v4.1: 21 of 1,612,872 alleles (0.0013%); highest among the groups gnomAD compares: Non-Finnish European, 0.0018%; no homozygotes.

Submission:

Labcorp Genetics (formerly Invitae), Labcorp
Classification: Uncertain significance for Hereditary spastic paraplegia 53. Last evaluated: 2021-11-27. Review status: criteria provided, single submitter. Criteria: Invitae Variant Classification Sherloc (09022015). Collection method: clinical testing. Allele origin: germline.
Comment: This variant has not been reported in the literature in individuals affected with VPS37A-related conditions. In summary, the available evidence is currently insufficient to determine the role of this variant in disease. Therefore, it has been classified as a Variant of Uncertain Significance. Algorithms developed to predict the effect of missense changes on protein structure and function are either unavailable or do not agree on the potential impact of this missense change (SIFT: "Deleterious"; PolyPhen-2: "Benign"; Align-GVGD: "Class C0"). This variant is present in population databases (no rsID available, gnomAD 0.0009%). This sequence change replaces glutamine, which is neutral and polar, with arginine, which is basic and polar, at codon 264 of the VPS37A protein (p.Gln264Arg).